The following is an entry in ClinVar:

NM_030665.4(RAI1):c.2444_2464dup (p.Glu821_Ala822insValGlyGlyValLysGluGlu)

Gene: RAI1 (retinoic acid induced 1; plus strand). Cytogenetic location: 17p11.2.
Variant type: Duplication.
Coding change: c.2444_2464dup on transcript NM_030665.4 (MANE Select); coding-DNA positions 2444 to 2464, 21 bases duplicated (TGGGTGGGGTGAAGGAGGAGG).
Protein change: p.Glu821_Ala822insValGlyGlyValLysGluGlu.
Genome position (GRCh38, 1-based): chr17:17,795,392-17,795,412, TGGGTGGGGTGAAGGAGGAGG duplicated; duplicating any 21 consecutive bases within chr17:17,795,383-17,795,412 gives the same sequence; the c. name uses the placement nearest the transcript's 3' end. VCF-style (leftmost placement, unchanged base first): chr17-17795382-C-CAGGAGGAGGTGGGTGGGGTGA. GRCh37 (hg19) VCF-style: chr17-17698696-C-CAGGAGGAGGTGGGTGGGGTGA.
Identifiers: ClinVar variation 3725778 (VCV003725778.2).
Genomic context (GRCh38, chr17:17,795,382, plus strand): 5'-GGCTTCCAGGAGGAGGACCCCCCTGGGGAGAAGGTGGCCTCGTTGCCCGGGGACTTCAAG[C>CAGGAGGAGGTGGGTGGGGTGA]AGGAGGAGGTGGGTGGGGTGAAGGAGGAGGCAGGTGGGCTGCTGCAGTGCCCCGAGGTGG-3'

ClinVar aggregate classification (germline): Uncertain significance (1 of 4 stars; one submission).

Submission:

Labcorp Genetics (formerly Invitae), Labcorp
Classification: Uncertain significance. Last evaluated: 2024-11-27. Review status: criteria provided, single submitter. Criteria: Invitae Variant Classification Sherloc (09022015). Collection method: clinical testing. Allele origin: germline.
Comment: This variant, c.2444_2464dup, results in the insertion of 7 amino acid(s) of the RAI1 protein (p.Val815_Glu821dup), but otherwise preserves the integrity of the reading frame. This variant is present in population databases (no rsID available, gnomAD 0.003%). This variant has not been reported in the literature in individuals affected with RAI1-related conditions. In summary, the available evidence is currently insufficient to determine the role of this variant in disease. Therefore, it has been classified as a Variant of Uncertain Significance.